The following is an entry in ClinVar:

ClinVar aggregate classification (germline): Conflicting classifications of pathogenicity. Review status: criteria provided, conflicting classifications (1 of 4 stars). 2 submissions from 2 submitters: Uncertain significance (1); Likely benign (1). Last evaluated 2023-08-24.

Conditions:
Inborn genetic diseases. Identifiers: MedGen C0950123, MeSH D030342.
Mowat-Wilson syndrome (MOWS). Also called: Classic Mowat-Wilson Syndrome. Identifiers: Orphanet 2152, MedGen C1856113, MONDO:0009341, OMIM 235730.

Submissions (2):

Labcorp Genetics (formerly Invitae), Labcorp
Classification: Likely benign for Mowat-Wilson syndrome. Last evaluated: 2023-08-24. Review status: criteria provided, single submitter. Criteria: Invitae Variant Classification Sherloc (09022015). Collection method: clinical testing. Allele origin: germline.

Ambry Genetics
Classification: Uncertain significance for Inborn genetic diseases. Last evaluated: 2018-03-29. Review status: criteria provided, single submitter. Criteria: Ambry Variant Classification Scheme 2023. Collection method: clinical testing. Allele origin: germline.
Comment: The p.R601C variant (also known as c.1801C>T), located in coding exon 7 of the ZEB2 gene, results from a C to T substitution at nucleotide position 1801. The arginine at codon 601 is replaced by cysteine, an amino acid with highly dissimilar properties. This amino acid position is highly conserved in available vertebrate species. In addition, the in silico prediction for this alteration is inconclusive. Since supporting evidence is limited at this time, the clinical significance of this alteration remains unclear.

NM_014795.4(ZEB2):c.1801C>T (p.Arg601Cys)

Gene: ZEB2 (zinc finger E-box binding homeobox 2; minus strand). Cytogenetic location: 2q22.3.
Variant type: single nucleotide variant.
Coding change: c.1801C>T on transcript NM_014795.4 (MANE Select); coding-DNA position 1801, C replaced by T.
Protein change: p.Arg601Cys; replaces arginine 601 with cysteine.
Molecular consequence: missense variant.
Genome position (GRCh38, 1-based): chr2:144,399,386, G>A on the plus strand (C>T on the coding strand, the complement: ZEB2 is on the minus strand). VCF-style: chr2-144399386-G-A. GRCh37 (hg19) VCF-style: chr2-145156953-G-A.
Other names: c.1729C>T, p.Arg577Cys (NM_001171653.2); short protein forms R577C, R601C.
Identifiers: ClinVar variation 1780413 (VCV001780413.5), dbSNP rs1703276763, ClinGen allele CA348710149.